The following is an entry in ClinVar:

NM_001276270.2(MBD4):c.104+5G>A

Gene: MBD4 (methyl-CpG binding domain 4, DNA glycosylase; minus strand). Cytogenetic location: 3q21.3.
Variant type: single nucleotide variant.
Coding change: c.104+5G>A on transcript NM_001276270.2 (MANE Select); 5 bases into the intron after coding-DNA position 104, G replaced by A.
Molecular consequence: intron variant.
Genome position (GRCh38, 1-based): chr3:129,439,725, C>T on the plus strand (G>A on the coding strand, the complement: MBD4 is on the minus strand). VCF-style: chr3-129439725-C-T. GRCh37 (hg19) VCF-style: chr3-129158568-C-T.
Other names: c.104+5G>A (NM_001276273.2, NM_001276272.2, NM_003925.3 and 1 more transcripts).
Identifiers: ClinVar variation 2902085 (VCV002902085.4), dbSNP rs762980889, ClinGen allele CA2605621.

ClinVar aggregate classification (germline): Uncertain significance. Review status: criteria provided, multiple submitters, no conflicts (2 of 4 stars). 2 submissions from 2 submitters: Uncertain significance (2). Last evaluated 2026-01-13.

Conditions:
Inborn genetic diseases. Identifiers: MedGen C0950123, MeSH D030342.

Allele frequency attached by ClinVar (database versions not stated): gnomAD exomes below 0.00001; ExAC 0.00003.
gnomAD v4.1: 2 of 1,561,456 alleles (0.00013%); highest among the groups gnomAD compares: Non-Finnish European, 0.000087%; no homozygotes.

Submissions (2):

Labcorp Genetics (formerly Invitae), Labcorp
Classification: Uncertain significance. Last evaluated: 2026-01-13. Review status: criteria provided, single submitter. Criteria: Invitae Variant Classification Sherloc (09022015). Collection method: clinical testing. Allele origin: germline.
Comment: This sequence change falls in intron 1 of the MBD4 gene. It does not directly change the encoded amino acid sequence of the MBD4 protein. It affects a nucleotide within the consensus splice site. This variant is present in population databases (rs762980889, gnomAD 0.006%). This variant has not been reported in the literature in individuals affected with MBD4-related conditions. ClinVar contains an entry for this variant (Variation ID: 2902085). Variants that disrupt the consensus splice site are a relatively common cause of aberrant splicing (PMID: 17576681, 9536098). Algorithms developed to predict the effect of sequence changes on RNA splicing suggest that this variant is not likely to affect RNA splicing. In summary, the available evidence is currently insufficient to determine the role of this variant in disease. Therefore, it has been classified as a Variant of Uncertain Significance.

Ambry Genetics
Classification: Uncertain significance for Inborn genetic diseases. Last evaluated: 2025-02-01. Review status: criteria provided, single submitter. Criteria: Ambry Variant Classification Scheme 2023. Collection method: clinical testing. Allele origin: germline.
Comment: The c.104+5G>A intronic variant results from a G to A substitution 5 nucleotides after coding exon 1 in the MBD4 gene. This nucleotide position is well conserved in available vertebrate species. In silico splice site analysis predicts that this alteration may result in the creation or strengthening of a novel splice donor site. Based on the available evidence, the clinical significance of this variant remains unclear.

Literature cited by the submitters: PubMed 17576681 (cited by Labcorp Genetics (formerly Invitae), Labcorp); PubMed 9536098 (cited by Labcorp Genetics (formerly Invitae), Labcorp).